The following is an entry in ClinVar:

ClinVar aggregate classification (germline): Uncertain significance (1 of 4 stars; one submission).

gnomAD v4.1: 7 of 1,614,106 alleles (0.00043%); highest among the groups gnomAD compares: Admixed American, 0.0017%; no homozygotes.

Submission:

Labcorp Genetics (formerly Invitae), Labcorp
Classification: Uncertain significance. Last evaluated: 2024-07-30. Review status: criteria provided, single submitter. Criteria: Invitae Variant Classification Sherloc (09022015). Collection method: clinical testing. Allele origin: germline.
Comment: This sequence change replaces proline, which is neutral and non-polar, with serine, which is neutral and polar, at codon 196 of the COL10A1 protein (p.Pro196Ser). This variant is present in population databases (rs777047241, gnomAD 0.004%). This variant has not been reported in the literature in individuals affected with COL10A1-related conditions. Advanced modeling of protein sequence and biophysical properties (such as structural, functional, and spatial information, amino acid conservation, physicochemical variation, residue mobility, and thermodynamic stability) performed at Invitae indicates that this missense variant is not expected to disrupt COL10A1 protein function with a negative predictive value of 80%. In summary, the available evidence is currently insufficient to determine the role of this variant in disease. Therefore, it has been classified as a Variant of Uncertain Significance.

NM_000493.4(COL10A1):c.586C>T (p.Pro196Ser)

Genes: COL10A1 (collagen type X alpha 1 chain; minus strand), NT5DC1 (5'-nucleotidase domain containing 1; plus strand). Cytogenetic location: 6q22.1.
Variant type: single nucleotide variant.
Coding change: c.586C>T on transcript NM_000493.4 (MANE Select); coding-DNA position 586, C replaced by T.
Protein change: p.Pro196Ser; replaces proline 196 with serine.
Molecular consequence: missense variant. On other transcripts: intron variant (1).
Genome position (GRCh38, 1-based): chr6:116,121,530, G>A on the plus strand (C>T on the coding strand, the complement: COL10A1 is on the minus strand). VCF-style: chr6-116121530-G-A. GRCh37 (hg19) VCF-style: chr6-116442693-G-A.
Other names: c.586C>T, p.Pro196Ser (NM_001424107.1, NM_001424106.1); c.529+3585G>A (NM_152729.3); short protein forms P196S.
Identifiers: ClinVar variation 3625618 (VCV003625618.2).